The following is an entry in ClinVar:

NM_000414.4(HSD17B4):c.628G>A (p.Val210Met)

Gene: HSD17B4 (hydroxysteroid 17-beta dehydrogenase 4; plus strand). Cytogenetic location: 5q23.1.
Variant type: single nucleotide variant.
Coding change: c.628G>A on transcript NM_000414.4 (MANE Select); coding-DNA position 628, G replaced by A.
Protein change: p.Val210Met; replaces valine 210 with methionine.
Molecular consequence: missense variant.
Genome position (GRCh38, 1-based): chr5:119,489,197, G>A. VCF-style: chr5-119489197-G-A. GRCh37 (hg19) VCF-style: chr5-118824892-G-A.
Other names: c.703G>A, p.Val235Met (NM_001199291.3); c.574G>A, p.Val192Met (NM_001199292.2); c.556G>A, p.Val186Met (NM_001292027.2); c.208G>A, p.Val70Met (NM_001292028.2); c.628G>A (NM_000414.3); short protein forms V210M, V192M, V70M, V186M, V235M.
Identifiers: ClinVar variation 593606 (VCV000593606.9), dbSNP rs1017610439, ClinGen allele CA125873749.
Genomic context (GRCh38, chr5:119,489,197, plus strand): 5'-GAAATTCTTAGAAAGTAAAATGATTGATAAGATATGTGTATATTCTTTATTTCAGATCTT[G>A]TGGAAGCCCTGAAGCCAGAGTATGTGGCACCTCTTGTCCTTTGGCTTTGTCACGAGAGTT-3'
Protein context (NP_000405.1, residues 200-220): MTQTVMPEDL[Val210Met]EALKPEYVAP

ClinVar aggregate classification (germline): Uncertain significance. Review status: criteria provided, multiple submitters, no conflicts (2 of 4 stars). 4 submissions from 4 submitters: Uncertain significance (4). Last evaluated 2024-10-28.

Conditions:
Inborn genetic diseases. Identifiers: MedGen C0950123, MeSH D030342.
Bifunctional peroxisomal enzyme deficiency (DBIF). Also called: D-bifunctional protein deficiency; DBP DEFICIENCY; PBFE DEFICIENCY. Identifiers: Orphanet 300, MedGen C0342870, MONDO:0009855, OMIM 261515. Disease mechanism: loss of function.
Perrault syndrome. Also called: Gonadal dysgenesis with auditory dysfunction, autosomal recessive inheritance. Identifiers: Orphanet 2855, MedGen C0685838, MONDO:0017312.

Allele frequency attached by ClinVar (database versions not stated): gnomAD exomes below 0.00001; TOPMed 0.00006; gnomAD 0.00008 and 0.00009.
gnomAD v4.1: 20 of 1,599,658 alleles (0.0013%); highest among the groups gnomAD compares: African/African-American, 0.025%; no homozygotes.

Submissions (4):

Labcorp Genetics (formerly Invitae), Labcorp
Classification: Uncertain significance for Perrault syndrome; Bifunctional peroxisomal enzyme deficiency. Last evaluated: 2024-10-28. Review status: criteria provided, single submitter. Criteria: Invitae Variant Classification Sherloc (09022015). Collection method: clinical testing. Allele origin: germline.
Comment: This sequence change replaces valine, which is neutral and non-polar, with methionine, which is neutral and non-polar, at codon 210 of the HSD17B4 protein (p.Val210Met). This variant is present in population databases (no rsID available, gnomAD 0.02%). This variant has not been reported in the literature in individuals affected with HSD17B4-related conditions. ClinVar contains an entry for this variant (Variation ID: 593606). Invitae Evidence Modeling of protein sequence and biophysical properties (such as structural, functional, and spatial information, amino acid conservation, physicochemical variation, residue mobility, and thermodynamic stability) indicates that this missense variant is not expected to disrupt HSD17B4 protein function with a negative predictive value of 95%. In summary, the available evidence is currently insufficient to determine the role of this variant in disease. Therefore, it has been classified as a Variant of Uncertain Significance.

Ambry Genetics
Classification: Uncertain significance for Inborn genetic diseases. Last evaluated: 2024-03-18. Review status: criteria provided, single submitter. Criteria: Ambry Variant Classification Scheme 2023. Collection method: clinical testing. Allele origin: germline.

Blueprint Genetics
Classification: Uncertain significance. Last evaluated: 2020-09-15. Review status: criteria provided, single submitter. Criteria: ACMG Guidelines, 2015. Collection method: clinical testing. Allele origin: germline.

Eurofins Ntd Llc (ga)
Classification: Uncertain significance. Last evaluated: 2017-08-11. Review status: criteria provided, single submitter. Criteria: EGL Classification Definitions 2015. Collection method: clinical testing. Allele origin: germline. Observed: 1 variant allele, 1 heterozygote.